The following is an entry in ClinVar:

ClinVar aggregate classification (germline): Benign (1 of 4 stars; one submission).

Allele frequency attached by ClinVar (database versions not stated): 1000 Genomes Project 30x 0.41958; 1000 Genomes Project 0.42991; TOPMed 0.46845; gnomAD 0.48113 and 0.48735.
gnomAD v4.1: 74,284 of 152,058 alleles (49%); highest among the groups gnomAD compares: Middle Eastern, 67%; 21,430 homozygotes.

Submission:

GeneDx
Classification: Benign. Last evaluated: 2018-06-16. Review status: criteria provided, single submitter. Criteria: GeneDx Variant Classification (06012015). Collection method: clinical testing. Allele origin: germline. Affected: yes.
Comment: This variant is considered likely benign or benign based on one or more of the following criteria: it is a conservative change, it occurs at a poorly conserved position in the protein, it is predicted to be benign by multiple in silico algorithms, and/or has population frequency not consistent with disease.

NM_002894.3(RBBP8):c.2029-253G>A

Gene: RBBP8 (RB binding protein 8, endonuclease; plus strand). Cytogenetic location: 18q11.2.
Variant type: single nucleotide variant.
Coding change: c.2029-253G>A on transcript NM_002894.3 (MANE Select); 253 bases into the intron before coding-DNA position 2029, G replaced by A.
Molecular consequence: intron variant.
Genome position (GRCh38, 1-based): chr18:22,997,367, G>A. VCF-style: chr18-22997367-G-A. GRCh37 (hg19) VCF-style: chr18-20577330-G-A.
Other names: c.2029-253G>A (NM_203292.2, NM_203291.2).
Identifiers: ClinVar variation 684045 (VCV000684045.1), dbSNP rs9945620, ClinGen allele CA15929363.
Genomic context (GRCh38, chr18:22,997,367, plus strand): 5'-GTTCATTACTATAAGGCAAATTGGAAAATAAAGGCAGGAAAAGTTCAGGGGTGTTTAGTG[G>A]TAAATAATTCTCCCTTTCCTTGGCAGCAGTCCTTCTTTTCCTAGGCTTGATTATATTGAA-3'